The following is an entry in ClinVar:

NM_024334.3(TMEM43):c.59G>C (p.Ser20Thr)

Gene: TMEM43 (transmembrane protein 43; plus strand). Cytogenetic location: 3p25.1.
Variant type: single nucleotide variant.
Coding change: c.59G>C on transcript NM_024334.3 (MANE Select); coding-DNA position 59, G replaced by C.
Protein change: p.Ser20Thr; replaces serine 20 with threonine.
Molecular consequence: missense variant.
Genome position (GRCh38, 1-based): chr3:14,129,458, G>C. VCF-style: chr3-14129458-G-C. GRCh37 (hg19) VCF-style: chr3-14170958-G-C.
Other names: c.59G>C (NM_024334.2); short protein forms S20T.
Identifiers: ClinVar variation 1493373 (VCV001493373.8), dbSNP rs1261978753, ClinGen allele CA351534251.
Genomic context (GRCh38, chr3:14,129,458, plus strand): 5'-TTCTTTTTCTTCAGTATTCCAGTACCAGTACCCGGAGAGAACATGTCAAAGTTAAAACCA[G>C]CTCCCAGCCAGGCTTCCTGGAACGGCTGAGCGAGACCTCGGGTGGGATGTTTGTGGGGCT-3'
Protein context (NP_077310.1, residues 10-30): TRREHVKVKT[Ser20Thr]SQPGFLERLS

ClinVar aggregate classification (germline): Uncertain significance. Review status: criteria provided, multiple submitters, no conflicts (2 of 4 stars). 4 submissions from 4 submitters: Uncertain significance (4). Last evaluated 2025-10-08.

Conditions:
Cardiovascular phenotype. Identifiers: MedGen CN230736.
Cardiomyopathy (CMYO). Also called: Cardiomyopathies. Identifiers: Orphanet 167848, MedGen C0878544, MONDO:0004994, HP:0001638. Inheritance: Various modes of inheritance.
Arrhythmogenic right ventricular dysplasia 5. Also called: Arrhythmogenic Right Ventricular Dysplasia/Cardiomyopathy 5; ARRHYTHMOGENIC RIGHT VENTRICULAR DYSPLASIA, FAMILIAL, 5. Identifiers: MedGen C1858379, MONDO:0011459, OMIM 604400.

Allele frequency attached by ClinVar (database versions not stated): TOPMed below 0.00001; gnomAD exomes 0.00001 and below 0.00001.
gnomAD v4.1: 11 of 1,613,852 alleles (0.00068%); highest among the groups gnomAD compares: Non-Finnish European, 0.00085%; no homozygotes.

Submissions (4):

Labcorp Genetics (formerly Invitae), Labcorp
Classification: Uncertain significance for Arrhythmogenic right ventricular dysplasia 5. Last evaluated: 2025-10-08. Review status: criteria provided, single submitter. Criteria: Invitae Variant Classification Sherloc (09022015). Collection method: clinical testing. Allele origin: germline.
Comment: This sequence change replaces serine, which is neutral and polar, with threonine, which is neutral and polar, at codon 20 of the TMEM43 protein (p.Ser20Thr). This variant is present in population databases (no rsID available, gnomAD 0.0009%). This variant has not been reported in the literature in individuals affected with TMEM43-related conditions. ClinVar contains an entry for this variant (Variation ID: 1493373). An algorithm developed to predict the effect of missense changes on protein structure and function (PolyPhen-2) suggests that this variant is likely to be tolerated. In summary, the available evidence is currently insufficient to determine the role of this variant in disease. Therefore, it has been classified as a Variant of Uncertain Significance.

Color Diagnostics, LLC DBA Color Health
Classification: Uncertain significance for Cardiomyopathy. Last evaluated: 2025-08-11. Review status: criteria provided, single submitter. Criteria: ACMG Guidelines, 2015. Collection method: clinical testing. Allele origin: germline.
Comment: This missense variant replaces serine with threonine at codon 20 of the TMEM43 protein. Computational prediction suggests that this variant may not impact protein structure and function. To our knowledge, functional studies have not been reported for this variant. This variant has not been reported in individuals affected with TMEM43-related disorders in the literature. This variant has been identified in 1/251440 chromosomes in the general population by the Genome Aggregation Database (gnomAD). The available evidence is insufficient to determine the role of this variant in disease conclusively. Therefore, this variant is classified as a Variant of Uncertain Significance.

Ambry Genetics
Classification: Uncertain significance for Cardiovascular phenotype. Last evaluated: 2024-05-21. Review status: criteria provided, single submitter. Criteria: Ambry Variant Classification Scheme 2023. Collection method: clinical testing. Allele origin: germline.
Comment: The p.S20T variant (also known as c.59G>C), located in coding exon 2 of the TMEM43 gene, results from a G to C substitution at nucleotide position 59. The serine at codon 20 is replaced by threonine, an amino acid with similar properties. This amino acid position is conserved. In addition, this alteration is predicted to be tolerated by in silico analysis. Based on the available evidence, the clinical significance of this variant remains unclear.

GeneDx
Classification: Uncertain significance. Last evaluated: 2022-12-07. Review status: criteria provided, single submitter. Criteria: GeneDx Variant Classification Process June 2021. Collection method: clinical testing. Allele origin: germline. Affected: yes.
Comment: Has not been previously published as pathogenic or benign to our knowledge; Not observed at significant frequency in large population cohorts (gnomAD); In silico analysis supports that this missense variant does not alter protein structure/function